The following is an entry in ClinVar:

NM_001202.6(BMP4):c.164G>A (p.Arg55Gln)

Gene: BMP4 (bone morphogenetic protein 4; minus strand). Cytogenetic location: 14q22.2.
Variant type: single nucleotide variant.
Coding change: c.164G>A on transcript NM_001202.6 (MANE Select); coding-DNA position 164, G replaced by A.
Protein change: p.Arg55Gln; replaces arginine 55 with glutamine.
Molecular consequence: missense variant. On other transcripts: 5 prime UTR variant (3).
Genome position (GRCh38, 1-based): chr14:53,952,059, C>T on the plus strand (G>A on the coding strand, the complement: BMP4 is on the minus strand). VCF-style: chr14-53952059-C-T. GRCh37 (hg19) VCF-style: chr14-54418777-C-T.
Other names: c.305G>A, p.Arg102Gln (NM_001347912.1); c.-26G>A (NM_001347913.2, NM_001347915.2, NM_001347917.1); c.164G>A, p.Arg55Gln (NM_001347914.2, NM_001347916.1, NM_130850.5 and 1 more transcripts); short protein forms R102Q, R55Q.
Identifiers: ClinVar variation 3758279 (VCV003758279.2).

ClinVar aggregate classification (germline): Uncertain significance (1 of 4 stars; one submission).

Conditions:
Orofacial cleft 11 (OFC11). Also called: Orofacial cleft 11; ofc11; CLEFT LIP WITH OR WITHOUT CLEFT PALATE, NONSYNDROMIC, 11. Identifiers: MedGen C2677434, MONDO:0010906, OMIM 600625.
Microphthalmia with brain and digit anomalies (MCOPS6). Also called: Microphthalmia, syndromic 6; MICROPHTHALMIA AND PITUITARY ANOMALIES. Identifiers: Orphanet 139471, MedGen C1864689, MONDO:0011936, OMIM 607932.

gnomAD v4.1: 28 of 1,614,192 alleles (0.0017%); highest among the groups gnomAD compares: Non-Finnish European, 0.0024%; no homozygotes.

Submission:

Labcorp Genetics (formerly Invitae), Labcorp
Classification: Uncertain significance for Microphthalmia with brain and digit anomalies; Orofacial cleft 11. Last evaluated: 2024-04-04. Review status: criteria provided, single submitter. Criteria: Invitae Variant Classification Sherloc (09022015). Collection method: clinical testing. Allele origin: germline.
Comment: This sequence change replaces arginine, which is basic and polar, with glutamine, which is neutral and polar, at codon 55 of the BMP4 protein (p.Arg55Gln). This variant is present in population databases (rs755084602, gnomAD 0.0009%). This variant has not been reported in the literature in individuals affected with BMP4-related conditions. Advanced modeling of protein sequence and biophysical properties (such as structural, functional, and spatial information, amino acid conservation, physicochemical variation, residue mobility, and thermodynamic stability) performed at Invitae indicates that this missense variant is not expected to disrupt BMP4 protein function with a negative predictive value of 80%. In summary, the available evidence is currently insufficient to determine the role of this variant in disease. Therefore, it has been classified as a Variant of Uncertain Significance.